The following is an entry in ClinVar:

ClinVar aggregate classification (germline): Uncertain significance (1 of 4 stars; one submission).

Conditions:
Emery-Dreifuss muscular dystrophy 5, autosomal dominant (EDMD5). Also called: EMERY-DREIFUSS MUSCULAR DYSTROPHY 5. Identifiers: Orphanet 261, MedGen C2751805, MONDO:0013072, OMIM 612999.

gnomAD v4.1: 6 of 1,614,104 alleles (0.00037%); highest among the groups gnomAD compares: African/African-American, 0.0053%; no homozygotes.

Submission:

Labcorp Genetics (formerly Invitae), Labcorp
Classification: Uncertain significance for Emery-Dreifuss muscular dystrophy 5, autosomal dominant. Last evaluated: 2024-12-15. Review status: criteria provided, single submitter. Criteria: Invitae Variant Classification Sherloc (09022015). Collection method: clinical testing. Allele origin: germline.
Comment: This sequence change replaces threonine, which is neutral and polar, with asparagine, which is neutral and polar, at codon 6110 of the SYNE2 protein (p.Thr6110Asn). This variant is present in population databases (no rsID available, gnomAD 0.01%). This variant has not been reported in the literature in individuals affected with SYNE2-related conditions. An algorithm developed to predict the effect of missense changes on protein structure and function (PolyPhen-2) suggests that this variant is likely to be disruptive. In summary, the available evidence is currently insufficient to determine the role of this variant in disease. Therefore, it has been classified as a Variant of Uncertain Significance.

NM_182914.3(SYNE2):c.18329C>A (p.Thr6110Asn)

Gene: SYNE2 (spectrin repeat containing nuclear envelope protein 2; plus strand). Cytogenetic location: 14q23.2.
Variant type: single nucleotide variant.
Coding change: c.18329C>A on transcript NM_182914.3 (MANE Select); coding-DNA position 18329, C replaced by A.
Protein change: p.Thr6110Asn; replaces threonine 6110 with asparagine.
Molecular consequence: missense variant.
Genome position (GRCh38, 1-based): chr14:64,208,885, C>A. VCF-style: chr14-64208885-C-A. GRCh37 (hg19) VCF-style: chr14-64675603-C-A.
Other names: c.18329C>A, p.Thr6110Asn (NM_015180.6); short protein forms T6110N.
Identifiers: ClinVar variation 3703729 (VCV003703729.2).